The following is an entry in ClinVar:

ClinVar aggregate classification (germline): Likely benign (1 of 4 stars; one submission).

Submission:

CeGaT Center for Human Genetics Tuebingen
Classification: Likely benign. Last evaluated: 2024-07-01. Review status: criteria provided, single submitter. Criteria: CeGaT Center For Human Genetics Tuebingen Variant Classification Criteria Version 2. Collection method: clinical testing. Allele origin: germline. Affected: yes. Observed: 1 variant allele.
Comment: ZNF292: PM2:Supporting, BP4, BP7

NM_015021.3(ZNF292):c.1446G>C (p.Val482=)

Gene: ZNF292 (zinc finger protein 292; plus strand). Cytogenetic location: 6q14.3.
Variant type: single nucleotide variant.
Coding change: c.1446G>C on transcript NM_015021.3 (MANE Select); coding-DNA position 1446, G replaced by C.
Protein change: p.Val482=; no amino-acid change (valine 482 retained).
Molecular consequence: synonymous variant.
Genome position (GRCh38, 1-based): chr6:87,255,075, G>C. VCF-style: chr6-87255075-G-C. GRCh37 (hg19) VCF-style: chr6-87964793-G-C.
Other names: c.1026G>C, p.Val342= (NM_001351444.2).
Identifiers: ClinVar variation 3257251 (VCV003257251.17).